The following is an entry in ClinVar:

NM_147127.5(EVC2):c.2257C>T (p.Arg753Cys)

Gene: EVC2 (EvC ciliary complex subunit 2; minus strand). Cytogenetic location: 4p16.2.
Variant type: single nucleotide variant.
Coding change: c.2257C>T on transcript NM_147127.5 (MANE Select); coding-DNA position 2257, C replaced by T.
Protein change: p.Arg753Cys; replaces arginine 753 with cysteine.
Molecular consequence: missense variant.
Genome position (GRCh38, 1-based): chr4:5,622,781, G>A on the plus strand (C>T on the coding strand, the complement: EVC2 is on the minus strand). VCF-style: chr4-5622781-G-A. GRCh37 (hg19) VCF-style: chr4-5624508-G-A.
Other names: c.2017C>T, p.Arg673Cys (NM_001166136.2); short protein forms R753C, R673C.
Identifiers: ClinVar variation 349060 (VCV000349060.10), dbSNP rs375693723, ClinGen allele CA2834764.

ClinVar aggregate classification (germline): Uncertain significance. Review status: criteria provided, multiple submitters, no conflicts (2 of 4 stars). 3 submissions from 3 submitters: Uncertain significance (3). Last evaluated 2024-09-14.

Conditions:
Inborn genetic diseases. Identifiers: MedGen C0950123, MeSH D030342.
Ellis-van Creveld syndrome (EVC). Also called: EVC-Related Ellis-van Creveld Syndrome; EVC2-Related Ellis-van Creveld Syndrome; MESOECTODERMAL DYSPLASIA; Chondroectodermal dysplasia. Identifiers: Orphanet 289, MedGen C0013903, MONDO:0009162, OMIM 225500.
Curry-Hall syndrome (WAD). Also called: WEYERS ACRODENTAL DYSOSTOSIS. Identifiers: Orphanet 952, MedGen C0457013, MONDO:0008673, OMIM 193530.

Allele frequency attached by ClinVar (database versions not stated): ExAC 0.00006; gnomAD exomes 0.00006 and 0.00012; ESP Exome Variant Server 0.00008; gnomAD 0.00008; TOPMed 0.00008.

Submissions (3):

Labcorp Genetics (formerly Invitae), Labcorp
Classification: Uncertain significance for Curry-Hall syndrome; Ellis-van Creveld syndrome. Last evaluated: 2024-09-14. Review status: criteria provided, single submitter. Criteria: Invitae Variant Classification Sherloc (09022015). Collection method: clinical testing. Allele origin: germline.
Comment: This sequence change replaces arginine, which is basic and polar, with cysteine, which is neutral and slightly polar, at codon 753 of the EVC2 protein (p.Arg753Cys). This variant is present in population databases (rs375693723, gnomAD 0.009%). This variant has not been reported in the literature in individuals affected with EVC2-related conditions. ClinVar contains an entry for this variant (Variation ID: 349060). An algorithm developed to predict the effect of missense changes on protein structure and function (PolyPhen-2) suggests that this variant is likely to be disruptive. In summary, the available evidence is currently insufficient to determine the role of this variant in disease. Therefore, it has been classified as a Variant of Uncertain Significance.

Ambry Genetics
Classification: Uncertain significance for Inborn genetic diseases. Last evaluated: 2024-07-09. Review status: criteria provided, single submitter. Criteria: Ambry Variant Classification Scheme 2023. Collection method: clinical testing. Allele origin: germline.

Illumina Laboratory Services, Illumina
Classification: Uncertain significance for Ellis-van Creveld syndrome. Last evaluated: 2018-01-13. Review status: criteria provided, single submitter. Criteria: ICSL Variant Classification Criteria 13 December 2019. Collection method: clinical testing. Allele origin: germline.